The following is an entry in ClinVar:

ClinVar aggregate classification (germline): Uncertain significance (1 of 4 stars; one submission).

Submission:

Ambry Genetics
Classification: Uncertain significance. Last evaluated: 2019-08-29. Review status: criteria provided, single submitter. Criteria: Ambry Variant Classification Scheme 2023. Collection method: clinical testing. Allele origin: germline.
Comment: The p.V74A variant (also known as c.221T>C), located in coding exon 2 of the IKBKAP gene, results from a T to C substitution at nucleotide position 221. The valine at codon 74 is replaced by alanine, an amino acid with similar properties. This amino acid position is poorly conserved in available vertebrate species. In addition, this alteration is predicted to be tolerated by in silico analysis. Since supporting evidence is limited at this time, the clinical significance of this alteration remains unclear.

NM_003640.5(ELP1):c.221T>C (p.Val74Ala)

Gene: ELP1 (elongator acetyltransferase complex subunit 1; minus strand). Cytogenetic location: 9q31.3.
Variant type: single nucleotide variant.
Coding change: c.221T>C on transcript NM_003640.5 (MANE Select); coding-DNA position 221, T replaced by C.
Protein change: p.Val74Ala; replaces valine 74 with alanine.
Molecular consequence: missense variant. On other transcripts: 5 prime UTR variant (2).
Genome position (GRCh38, 1-based): chr9:108,929,851, A>G on the plus strand (T>C on the coding strand, the complement: ELP1 is on the minus strand). VCF-style: chr9-108929851-A-G. GRCh37 (hg19) VCF-style: chr9-111692131-A-G.
Other names: c.-122T>C (NM_001318360.2); c.-639T>C (NM_001330749.2); short protein forms V74A.
Identifiers: ClinVar variation 1799596 (VCV001799596.2), dbSNP rs2537963959, ClinGen allele CA374394191.
Genomic context (GRCh38, chr9:108,929,851, plus strand): 5'-AGTATGACGTCTCCAGAGGCTGTGGCCACACACACAGACTCCTGATCCAGCAAGTCCTGA[A>G]CACCAACAATGCGGCCACTTCCATCCTCTGGGAGAAAGCCTTCTGCCACCAAAGAAACTT-3'
Protein context (NP_003631.2, residues 64-84): PEDGSGRIVG[Val74Ala]QDLLDQESVC